The following is an entry in ClinVar:

ClinVar aggregate classification (germline): Uncertain significance (1 of 4 stars; one submission).

Conditions:
Heterotaxy, visceral, 1, X-linked (HTX1). Also called: SITUS INVERSUS, COMPLEX CARDIAC DEFECTS, AND SPLENIC DEFECTS, X-LINKED; DEXTROCARDIA WITH OTHER CARDIAC MALFORMATIONS; Laterality, X-linked; Visceral heterotaxia. Identifiers: Orphanet 450, MedGen C1844020, MONDO:0010607, OMIM 306955.

Allele frequency attached by ClinVar (database versions not stated): gnomAD exomes below 0.00001; TOPMed 0.00001; gnomAD 0.00002.

Submission:

Labcorp Genetics (formerly Invitae), Labcorp
Classification: Uncertain significance for Heterotaxy, visceral, 1, X-linked. Last evaluated: 2021-01-25. Review status: criteria provided, single submitter. Criteria: Invitae Variant Classification Sherloc (09022015). Collection method: clinical testing. Allele origin: germline.
Comment: This sequence change replaces alanine with glycine at codon 84 of the ZIC3 protein (p.Ala84Gly). The alanine residue is highly conserved and there is a small physicochemical difference between alanine and glycine. The frequency data for this variant in the population databases is considered unreliable, as metrics indicate insufficient coverage at this position in the ExAC database. This variant has not been reported in the literature in individuals with ZIC3-related conditions. Algorithms developed to predict the effect of missense changes on protein structure and function are either unavailable or do not agree on the potential impact of this missense change (SIFT: "Deleterious"; PolyPhen-2: "Benign"; Align-GVGD: "Class C0"). In summary, the available evidence is currently insufficient to determine the role of this variant in disease. Therefore, it has been classified as a Variant of Uncertain Significance.

NM_003413.4(ZIC3):c.251C>G (p.Ala84Gly)

Gene: ZIC3 (Zic family zinc finger 3; plus strand). Cytogenetic location: Xq26.3.
Variant type: single nucleotide variant.
Coding change: c.251C>G on transcript NM_003413.4 (MANE Select); coding-DNA position 251, C replaced by G.
Protein change: p.Ala84Gly; replaces alanine 84 with glycine.
Molecular consequence: missense variant.
Genome position (GRCh38, 1-based): chrX:137,566,942, C>G. VCF-style: chrX-137566942-C-G. GRCh37 (hg19) VCF-style: chrX-136649101-C-G.
Other names: c.251C>G, p.Ala84Gly (NM_001330661.1); short protein forms A84G.
Identifiers: ClinVar variation 1479398 (VCV001479398.8), dbSNP rs960337313, ClinGen allele CA336368776.
Genomic context (GRCh38, chrX:137,566,942, plus strand): 5'-ACGATCTATCTTCAGGCCAGAGCTCGGCTTTCACGCCGCAGGGTTCGGGCTACGCCAACG[C>G]CCTGGGCCACCATCACCACCACCATCACCATCATCACCACACCAGCCAGGTGCCCAGCTA-3'
Protein context (NP_003404.1, residues 74-94): FTPQGSGYAN[Ala84Gly]LGHHHHHHHH